The following is an entry in ClinVar:

NM_002047.4(GARS1):c.701A>G (p.Glu234Gly)

Gene: GARS1 (glycyl-tRNA synthetase 1; plus strand). Cytogenetic location: 7p14.3.
Variant type: single nucleotide variant.
Coding change: c.701A>G on transcript NM_002047.4 (MANE Select); coding-DNA position 701, A replaced by G.
Protein change: p.Glu234Gly; replaces glutamic acid 234 with glycine.
Molecular consequence: missense variant.
Genome position (GRCh38, 1-based): chr7:30,603,538, A>G. VCF-style: chr7-30603538-A-G. GRCh37 (hg19) VCF-style: chr7-30643154-A-G.
Other names: c.539A>G, p.Glu180Gly (NM_001316772.1); short protein forms E180G, E234G.
Identifiers: ClinVar variation 2027842 (VCV002027842.4), dbSNP rs1791423137, ClinGen allele CA367139959.

ClinVar aggregate classification (germline): Uncertain significance (1 of 4 stars; one submission).

Conditions:
Charcot-Marie-Tooth disease type 2. Also called: Charcot-Marie-Tooth type 2. Identifiers: Orphanet 64746, MedGen C0270914, MONDO:0018993.

Submission:

Labcorp Genetics (formerly Invitae), Labcorp
Classification: Uncertain significance for Charcot-Marie-Tooth disease type 2. Last evaluated: 2022-08-30. Review status: criteria provided, single submitter. Criteria: Invitae Variant Classification Sherloc (09022015). Collection method: clinical testing. Allele origin: germline.
Comment: This variant has not been reported in the literature in individuals affected with GARS-related conditions. In summary, the available evidence is currently insufficient to determine the role of this variant in disease. Therefore, it has been classified as a Variant of Uncertain Significance. Algorithms developed to predict the effect of missense changes on protein structure and function (SIFT, PolyPhen-2, Align-GVGD) all suggest that this variant is likely to be tolerated. This variant is not present in population databases (gnomAD no frequency). This sequence change replaces glutamic acid, which is acidic and polar, with glycine, which is neutral and non-polar, at codon 234 of the GARS protein (p.Glu234Gly).